The following is an entry in ClinVar:

NM_001458.5(FLNC):c.5843-1G>C

Genes: FLNC (filamin C; plus strand), FLNC-AS1 (FLNC antisense RNA 1; minus strand). Cytogenetic location: 7q32.1.
Variant type: single nucleotide variant.
Coding change: c.5843-1G>C on transcript NM_001458.5 (MANE Select); the canonical splice acceptor site of the intron before coding-DNA position 5843, G replaced by C.
Molecular consequence: splice acceptor variant.
Genome position (GRCh38, 1-based): chr7:128,852,590, G>C. VCF-style: chr7-128852590-G-C. GRCh37 (hg19) VCF-style: chr7-128492644-G-C.
Other names: c.5744-1G>C (NM_001127487.2).
Identifiers: ClinVar variation 4812579 (VCV004812579.1).
Genomic context (GRCh38, chr7:128,852,590, plus strand): 5'-CCCTGTGAGGGCAGGGCCTGCCTGGAGTCATAGCAGCCTGATGCCCCAACTCCCCCACCA[G>C]GTGATGACTCCATGAGGACCTCACAGCTGAATGTGGGCACCTCCACGGACGTGTCACTGA-3'

ClinVar aggregate classification (germline): Likely pathogenic (1 of 4 stars; one submission).

Conditions:
Hypertrophic cardiomyopathy 26. Also called: Cardiomyopathy, familial hypertrophic, 26. Identifiers: Orphanet 75249, MedGen C4310749, MONDO:0014883, OMIM 617047.
Myofibrillar myopathy 5. Also called: Filaminopathy (type); FILAMINOPATHY, AUTOSOMAL DOMINANT. Identifiers: Orphanet 171445, MedGen C1836050, MONDO:0012289, OMIM 609524.
Distal myopathy with posterior leg and anterior hand involvement. Also called: WILLIAMS DISTAL MYOPATHY. Identifiers: Orphanet 63273, MedGen C3279722, MONDO:0013550, OMIM 614065.

Submission:

Labcorp Genetics (formerly Invitae), Labcorp
Classification: Likely pathogenic for Distal myopathy with posterior leg and anterior hand involvement; Myofibrillar myopathy 5; Hypertrophic cardiomyopathy 26. Last evaluated: 2026-01-01. Review status: criteria provided, single submitter. Criteria: Invitae Variant Classification Sherloc (09022015). Collection method: clinical testing. Allele origin: germline.
Comment: This sequence change affects an acceptor splice site in intron 35 of the FLNC gene. It is expected to disrupt RNA splicing. Variants that disrupt the donor or acceptor splice site typically lead to a loss of protein function (PMID: 16199547), and loss-of-function variants in FLNC are known to be pathogenic (PMID: 27908349). This variant is not present in population databases (gnomAD no frequency). This variant has not been reported in the literature in individuals affected with FLNC-related conditions. Algorithms developed to predict the effect of sequence changes on RNA splicing suggest that this variant may disrupt the consensus splice site. In summary, the currently available evidence indicates that the variant is pathogenic, but additional data are needed to prove that conclusively. Therefore, this variant has been classified as Likely Pathogenic.

Literature cited by the submitters: PubMed 16199547; PubMed 27908349.